The following is an entry in ClinVar:

ClinVar aggregate classification (germline): Conflicting classifications of pathogenicity. Review status: criteria provided, conflicting classifications (1 of 4 stars). 6 submissions from 6 submitters: Pathogenic (2); Likely pathogenic (3); Uncertain significance (1). Last evaluated 2026-08-01.
ClinVar aggregate classification (somatic clinical impact): Tier II - Potential (1 of 4 stars; one submission).

Conditions:
Noonan syndrome 12. Identifiers: MedGen C5231432, MONDO:0032839, OMIM 618624.
RRAS2-related disorder. Also called: RRAS2-related condition.
Germinoma. Also called: Germinoma (disease). Identifiers: MedGen C0206660, MONDO:0002598, HP:0100620.

Submissions (7):

CeGaT Center for Human Genetics Tuebingen
Classification: Pathogenic. Last evaluated: 2026-08-01. Review status: criteria provided, single submitter. Criteria: CeGaT Center For Human Genetics Tuebingen Variant Classification Criteria Version 2. Collection method: clinical testing. Allele origin: germline. Affected: yes. Observed: 1 variant allele.
Comment: RRAS2: PM1, PM2, PM5, PS4:Moderate, PP2, PP3

PreventionGenetics, part of Exact Sciences
Classification: Uncertain significance for RRAS2-related condition. Last evaluated: 2024-12-20. Review status: criteria provided, single submitter. Criteria: ACMG Guidelines, 2015. Collection method: clinical testing. Allele origin: germline.
Comment: The RRAS2 c.67G>A variant is predicted to result in the amino acid substitution p.Gly23Ser. This variant was observed de novo in patient with global developmental delay, central hypotonia and abnormal facial shape (Decipher; patient 292439). This variant has not been reported in a large population database (gnomAD), indicating this variant is rare. An alternate missense change affecting the same amino acid (p.Gly23Val) was reported de novo in patient with Noonan syndrome (Capri et al 2019. PubMed ID: 31130282). Another alternate missense change affecting the same amino acid (p.Gly23Asp) is pathogenic and is listed in ClinVar. At this time, the clinical significance of this variant is uncertain due to the absence of conclusive functional and genetic evidence.

Institute of Immunology and Genetics Kaiserslautern
Classification: Likely pathogenic for Noonan syndrome 12. Last evaluated: 2024-10-15. Review status: criteria provided, single submitter. Criteria: ACMG Guidelines, 2015. Collection method: clinical testing. Allele origin: germline. Affected: yes.
Comment: ACMG Criteria: PP5, PM2_P, PM1, PM5; Variant was found in heterozygous state

GeneDx
Classification: Pathogenic. Last evaluated: 2024-06-26. Review status: criteria provided, single submitter. Criteria: GeneDx Variant Classification Process June 2021. Collection method: clinical testing. Allele origin: germline. Affected: yes.
Comment: Not observed at significant frequency in large population cohorts (gnomAD); In silico analysis supports that this missense variant has a deleterious effect on protein structure/function; This variant is associated with the following publications: (PMID: 35982159, 33057194)

Institute for Genomic Medicine (IGM) Clinical Laboratory, Nationwide Children's Hospital
Classification: Tier II - Potential for Germinoma. Assertion type: diagnostic. Clinical significance: supports diagnosis. Last evaluated: 2024-05-31. Review status: criteria provided, single submitter. Criteria: AMP/ASCO/CAP Guidelines, 2017. Collection method: clinical testing. Allele origin: somatic. Affected: yes.
Comment: Variant has Tier II (potential) clinical significance as a diagnostic inclusion criterion in germinoma, based on the following evidence: 1) Documented in one or more cancer databases (e.g., St. Jude Pecan, COSMIC, CIViC, OncoKB). 2) Information in the literature supports potential biologic effect of variant (PMID: 24826867). 3) Diagnostic significance based on multiple small studies (Evidence Level C; PMIDs: 27391150, 24148564, 32721511, 28078450, 38430549).

3billion
Classification: Likely pathogenic for Noonan syndrome 12. Last evaluated: 2023-02-23. Review status: criteria provided, single submitter. Criteria: ACMG Guidelines, 2015. Collection method: clinical testing. Allele origin: unknown. Affected: yes.
Comment: The variant is not observed in the gnomAD v2.1.1 dataset. The variant is located in a mutational hot spot and/or well-established functional domain in which established pathogenic variants have been reported. Missense changes are a common disease-causing mechanism. Different missense changes at the same codon (p.Gly23Asp, p.Gly23Cys, p.Gly23Val) have been reported as pathogenic/likely pathogenic with strong evidence (ClinVar ID: VCV000626911, VCV001342092, VCV001699117 / PMID: 31130282). Therefore, this variant is classified as Likely pathogenic according to the recommendation of ACMG/AMP guideline.

University of Washington Department of Laboratory Medicine, University of Washington
Classification: Likely pathogenic for Noonan syndrome 12. Last evaluated: 2022-05-09. Review status: criteria provided, single submitter. Criteria: ACMG Guidelines, 2015. Collection method: clinical testing. Allele origin: de novo. Affected: yes.
Comment: However, a different missense variant (p.Gly23Val) has been reported de novo in an individual with Noonan syndrome and has been shown to activate the RRAS2 protein in vitro (Capri 2019). Glycine 23 is located within the phosphate-binding loop and is analogous to glycine 12 in other RAS genes (e.g. HRAS, NKRAS, and NRAS), which is a known mutational hotspot. The p.Gly23Ser variant is absent from large population databases, including the Genome Aggregation Database. Using ACMG guidelines, this variant was classified as likely pathogenic for autosomal dominant Noonan syndrome (ACMG evidence codes used: PS2_moderate, PM1, PM5, PM2_supporting).

Literature cited by the submitters: PubMed 24826867 (cited by Institute for Genomic Medicine (IGM) Clinical Laboratory, Nationwide Children's Hospital); PubMed 27391150 (cited by Institute for Genomic Medicine (IGM) Clinical Laboratory, Nationwide Children's Hospital); PubMed 24148564 (cited by Institute for Genomic Medicine (IGM) Clinical Laboratory, Nationwide Children's Hospital); PubMed 32721511 (cited by Institute for Genomic Medicine (IGM) Clinical Laboratory, Nationwide Children's Hospital); PubMed 28078450 (cited by Institute for Genomic Medicine (IGM) Clinical Laboratory, Nationwide Children's Hospital); PubMed 38430549 (cited by Institute for Genomic Medicine (IGM) Clinical Laboratory, Nationwide Children's Hospital); PubMed 31130282 (cited by 3billion).

NM_012250.6(RRAS2):c.67G>A (p.Gly23Ser)

Genes: RRAS2 (RAS related 2; minus strand), LOC130005368 (ATAC-STARR-seq lymphoblastoid silent region 3172; plus strand). Cytogenetic location: 11p15.2.
Variant type: single nucleotide variant.
Coding change: c.67G>A on transcript NM_012250.6 (MANE Select); coding-DNA position 67, G replaced by A.
Protein change: p.Gly23Ser; replaces glycine 23 with serine.
Molecular consequence: missense variant. On other transcripts: intron variant (1).
Genome position (GRCh38, 1-based): chr11:14,358,804, C>T on the plus strand (G>A on the coding strand, the complement: RRAS2 is on the minus strand). VCF-style: chr11-14358804-C-T. GRCh37 (hg19) VCF-style: chr11-14380350-C-T.
Other names: c.3+5587G>A (NM_001177314.2); c.67G>A (NM_012250.5); short protein forms G23S.
Identifiers: ClinVar variation 2444166 (VCV002444166.8), dbSNP rs2134048726, ClinGen allele CA379862800.